The following is an entry in ClinVar:

NM_000382.3(ALDH3A2):c.1133_1134insT (p.Ser379fs)

Gene: ALDH3A2 (aldehyde dehydrogenase 3 family member A2; plus strand). Cytogenetic location: 17p11.2.
Variant type: Insertion.
Coding change: c.1133_1134insT on transcript NM_000382.3 (MANE Select); coding-DNA positions 1133 to 1134, T inserted.
Protein change: p.Ser379fs; shifts the reading frame from serine 379.
Molecular consequence: frameshift variant.
Genome position: GRCh38 VCF-style: chr17-19664973-C-CT. GRCh37 (hg19) VCF-style: chr17-19568286-C-CT.
Other names: c.1133_1134insT, p.Ser379fs (NM_001369146.2, NM_001031806.2, NM_001369136.1 and 3 more transcripts); c.554_555insT, p.Ser186fs (NM_001369148.2); short protein forms S186fs, S379fs.
Identifiers: ClinVar variation 5011264 (VCV005011264.1).
Genomic context (GRCh38, chr17:19,664,973, plus strand): 5'-CTTCACTGACCTGGACACCTTTGGTCTGTCCTCAGCTCATCAAACGGATGATTGATGAGA[C>CT]ATCCAGTGGAGGTGTCACAGGCAATGACGTCATTATGCACTTCACGCTCAACTCTTTCCC-3'

ClinVar aggregate classification (germline): Pathogenic (1 of 4 stars; one submission).

Conditions:
Sjögren-Larsson syndrome (SLS). Also called: FALDH DEFICIENCY; FATTY ALCOHOL:NAD+ OXIDOREDUCTASE DEFICIENCY; FATTY ALDEHYDE DEHYDROGENASE DEFICIENCY; ICHTHYOSIS, SPASTIC NEUROLOGIC DISORDER, AND OLIGOPHRENIA. Identifiers: Orphanet 816, MedGen C0037231, MONDO:0010031, OMIM 270200.

Submission:

Myriad Genetics, Inc.
Classification: Pathogenic for Sjögren-Larsson syndrome. Last evaluated: 2023-08-08. Review status: criteria provided, single submitter. Criteria: Myriad Autosomal Dominant, Autosomal Recessive and X-Linked Classification Criteria (2023). Collection method: clinical testing. Allele origin: unknown.
Comment: NM_000382.2(ALDH3A2):c.1133_1134insT(S379Ifs*9) is expected to be pathogenic in the context of Sjogren-Larsson syndrome. This variant is predicted to lead to an abnormal or absent protein product due to the creation of a premature termination codon in ALDH3A2, a gene where loss-of-function variants are known to be pathogenic. Please note: this variant was assessed in the context of healthy population screening.